The following is an entry in ClinVar:

NM_014747.3(RIMS3):c.261G>A (p.Thr87=)

Gene: RIMS3 (regulating synaptic membrane exocytosis 3; minus strand). Cytogenetic location: 1p34.2.
Variant type: single nucleotide variant.
Coding change: c.261G>A on transcript NM_014747.3 (MANE Select); coding-DNA position 261, G replaced by A.
Protein change: p.Thr87=; no amino-acid change (threonine 87 retained).
Molecular consequence: synonymous variant.
Genome position (GRCh38, 1-based): chr1:40,636,014, C>T on the plus strand (G>A on the coding strand, the complement: RIMS3 is on the minus strand). VCF-style: chr1-40636014-C-T. GRCh37 (hg19) VCF-style: chr1-41101686-C-T.
Identifiers: ClinVar variation 3033256 (VCV003033256.2), dbSNP rs369877129, ClinGen allele CA793900.
Genomic context (GRCh38, chr1:40,636,014, plus strand): 5'-GGACTCCCGGCTGCCCTGGCGTGTGACCCGGCTCCGCATCTCCACCGCGATGCCTGTCTC[C>T]GTGCTCCGGCGGATGTTGCTGCGCAGCTTCTTGGTGGCCCCTTCTGTGACCCCCCCAACC-3'
Protein context (NP_055562.2, residues 77-97): KKLRSNIRRS[Thr87=]ETGIAVEMRS

ClinVar aggregate classification (germline): Likely benign (0 of 4 stars; one submission).

Conditions:
RIMS3-related disorder. Also called: RIMS3-related condition.

Allele frequency attached by ClinVar (database versions not stated): ExAC 0.00004; TOPMed 0.00005; gnomAD 0.00006.

Submission:

PreventionGenetics, part of Exact Sciences
Classification: Likely benign for RIMS3-related condition. Last evaluated: 2019-06-13. Review status: no assertion criteria provided. Collection method: clinical testing. Allele origin: germline.
Comment: This variant is classified as likely benign based on ACMG/AMP sequence variant interpretation guidelines (Richards et al. 2015 PMID: 25741868, with internal and published modifications).